The following is an entry in ClinVar:

ClinVar aggregate classification (germline): Uncertain significance (1 of 4 stars; one submission).

Submission:

Labcorp Genetics (formerly Invitae), Labcorp
Classification: Uncertain significance. Last evaluated: 2023-03-17. Review status: criteria provided, single submitter. Criteria: Invitae Variant Classification Sherloc (09022015). Collection method: clinical testing. Allele origin: germline.
Comment: In summary, the available evidence is currently insufficient to determine the role of this variant in disease. Therefore, it has been classified as a Variant of Uncertain Significance. An algorithm developed to predict the effect of missense changes on protein structure and function (PolyPhen-2) suggests that this variant is likely to be tolerated. This variant has not been reported in the literature in individuals affected with TRMT10C-related conditions. This variant is not present in population databases (gnomAD no frequency). This sequence change replaces asparagine, which is neutral and polar, with lysine, which is basic and polar, at codon 12 of the TRMT10C protein (p.Asn12Lys).

NM_017819.4(TRMT10C):c.36T>A (p.Asn12Lys)

Gene: TRMT10C (tRNA methyltransferase 10C, mitochondrial RNase P subunit; plus strand). Cytogenetic location: 3q12.3.
Variant type: single nucleotide variant.
Coding change: c.36T>A on transcript NM_017819.4 (MANE Select); coding-DNA position 36, T replaced by A.
Protein change: p.Asn12Lys; replaces asparagine 12 with lysine.
Molecular consequence: missense variant.
Genome position (GRCh38, 1-based): chr3:101,564,817, T>A. VCF-style: chr3-101564817-T-A. GRCh37 (hg19) VCF-style: chr3-101283661-T-A.
Other names: short protein forms N12K.
Identifiers: ClinVar variation 2903820 (VCV002903820.3), dbSNP rs762674529, ClinGen allele CA353861056.
Genomic context (GRCh38, chr3:101,564,817, plus strand): 5'-TCTTCTTTTACAGGGGTTTTGTTACATGGCTGCTTTCCTCAAAATGAGTGTTAGTGTCAA[T>A]TTCTTCAGACCTTTCACCAGGTTTTTGGTGCCATTTACCCTTCATAGGAAGAGAAATAAC-3'
Protein context (NP_060289.2, residues 2-22): AAFLKMSVSV[Asn12Lys]FFRPFTRFLV